The following is an entry in ClinVar:

NM_205861.3(DHDDS):c.717C>G (p.Asn239Lys)

Gene: DHDDS (dehydrodolichyl diphosphate synthase subunit; plus strand). Cytogenetic location: 1p36.11.
Variant type: single nucleotide variant.
Coding change: c.717C>G on transcript NM_205861.3 (MANE Select); coding-DNA position 717, C replaced by G.
Protein change: p.Asn239Lys; replaces asparagine 239 with lysine.
Molecular consequence: missense variant.
Genome position (GRCh38, 1-based): chr1:26,460,096, C>G. VCF-style: chr1-26460096-C-G. GRCh37 (hg19) VCF-style: chr1-26786587-C-G.
Other names: c.615C>G, p.Asn205Lys (NM_001243564.2); c.600C>G, p.Asn200Lys (NM_001243565.2); c.438C>G, p.Asn146Lys (NM_001319959.2); c.717C>G, p.Asn239Lys (NM_024887.4); short protein forms N205K, N146K, N200K, N239K.
Identifiers: ClinVar variation 2106040 (VCV002106040.4), dbSNP rs941461978, ClinGen allele CA339145226.
Genomic context (GRCh38, chr1:26,460,096, plus strand): 5'-GACCTCTCACTCCTGCCTGGTGTTCCAACCCGTTCTGTGGCCAGAGTATACATTTTGGAA[C>G]CTCTTCGAGGCCATCCTGCAGTTCCAGATGAACCATAGCGTGCTTCAGGTAAGAAAGAGT-3'
Protein context (NP_995583.1, residues 229-249): PVLWPEYTFW[Asn239Lys]LFEAILQFQM

ClinVar aggregate classification (germline): Uncertain significance (1 of 4 stars; one submission).

Conditions:
Retinitis pigmentosa 59 (RP59). Identifiers: Orphanet 791, MedGen C3151227, MONDO:0013468, OMIM 613861.

Submission:

Labcorp Genetics (formerly Invitae), Labcorp
Classification: Uncertain significance for Retinitis pigmentosa 59. Last evaluated: 2022-03-04. Review status: criteria provided, single submitter. Criteria: Invitae Variant Classification Sherloc (09022015). Collection method: clinical testing. Allele origin: germline.
Comment: This sequence change replaces asparagine, which is neutral and polar, with lysine, which is basic and polar, at codon 239 of the DHDDS protein (p.Asn239Lys). This variant is not present in population databases (gnomAD no frequency). This variant has not been reported in the literature in individuals affected with DHDDS-related conditions. Algorithms developed to predict the effect of missense changes on protein structure and function are either unavailable or do not agree on the potential impact of this missense change (SIFT: "Tolerated"; PolyPhen-2: "Possibly Damaging"; Align-GVGD: "Class C0"). In summary, the available evidence is currently insufficient to determine the role of this variant in disease. Therefore, it has been classified as a Variant of Uncertain Significance.